The following is an entry in ClinVar:

NM_018192.4(P3H2):c.81_82delinsAT (p.Asp28Tyr)

Gene: P3H2 (prolyl 3-hydroxylase 2; minus strand). Cytogenetic location: 3q28.
Variant type: Indel.
Coding change: c.81_82delinsAT on transcript NM_018192.4 (MANE Select); coding-DNA positions 81 to 82, GG replaced by AT.
Protein change: p.Asp28Tyr; replaces aspartic acid 28 with tyrosine.
Molecular consequence: missense variant. On other transcripts: intron variant (1).
Genome position (GRCh38, 1-based): chr3:190,120,650-190,120,651, CC replaced by AT on the plus strand (GG replaced by AT on the coding strand, the reverse complement: P3H2 is on the minus strand). VCF-style: chr3-190120650-CC-AT. GRCh37 (hg19) VCF-style: chr3-189838439-CC-AT.
Other names: c.-64+1552_-64+1553delinsAT (NM_001134418.2); short protein forms D28Y.
Identifiers: ClinVar variation 968039 (VCV000968039.6), dbSNP rs1712535060, ClinGen allele CA1139658386.

ClinVar aggregate classification (germline): Uncertain significance (1 of 4 stars; one submission).

Submission:

Labcorp Genetics (formerly Invitae), Labcorp
Classification: Uncertain significance. Last evaluated: 2022-01-06. Review status: criteria provided, single submitter. Criteria: Invitae Variant Classification Sherloc (09022015). Collection method: clinical testing. Allele origin: germline.
Comment: In summary, the available evidence is currently insufficient to determine the role of this variant in disease. Therefore, it has been classified as a Variant of Uncertain Significance. Experimental studies and prediction algorithms are not available or were not evaluated, and the functional significance of this variant is currently unknown. ClinVar contains an entry for this variant (Variation ID: 968039). This variant has not been reported in the literature in individuals affected with P3H2-related conditions. Information on the frequency of this variant in the gnomAD database is not available, as this variant may be reported differently in the database. This sequence change replaces aspartic acid, which is acidic and polar, with tyrosine, which is neutral and polar, at codon 28 of the P3H2 protein (p.Asp28Tyr).